The following is an entry in ClinVar:

ClinVar aggregate classification (germline): Pathogenic (1 of 4 stars; one submission).

Conditions:
Warburg micro syndrome 2 (WARBM2). Also called: MICRO SYNDROME 2. Identifiers: Orphanet 2510, MedGen C3280214, MONDO:0013641, OMIM 614225.
Martsolf syndrome (MARTS). Also called: Congenital cataract with intellectual disability and hypogonadotropic hypogonadism syndrome. Identifiers: Orphanet 1387, MedGen C0796037, MONDO:0023910.

Submission:

Labcorp Genetics (formerly Invitae), Labcorp
Classification: Pathogenic for Martsolf syndrome; Warburg micro syndrome 2. Last evaluated: 2022-09-09. Review status: criteria provided, single submitter. Criteria: Invitae Variant Classification Sherloc (09022015). Collection method: clinical testing. Allele origin: germline.
Comment: For these reasons, this variant has been classified as Pathogenic. This variant has not been reported in the literature in individuals affected with RAB3GAP2-related conditions. This variant is a gross deletion of the genomic region encompassing exon(s) 28-31 of the RAB3GAP2 gene. This deletion is out-of-frame, and is expected to create a premature termination codon and result in an absent or disrupted protein product. Loss-of-function variants in RAB3GAP2 are known to be pathogenic (PMID: 23420520).

Literature cited by the submitters: PubMed 23420520.

NC_000001.10:g.(?_220330592)_(220335630_?)del

Gene: RAB3GAP2 (RAB3 GTPase activating non-catalytic protein subunit 2; minus strand). Cytogenetic location: 1q41.
Variant type: Deletion.
Identifiers: ClinVar variation 2425802 (VCV002425802.4).